The following is an entry in ClinVar:

NM_000925.4(PDHB):c.934+1G>T

Gene: PDHB (pyruvate dehydrogenase E1 subunit beta; minus strand). Cytogenetic location: 3p14.3.
Variant type: single nucleotide variant.
Coding change: c.934+1G>T on transcript NM_000925.4 (MANE Select); the canonical splice donor site of the intron after coding-DNA position 934, G replaced by T.
Molecular consequence: splice donor variant.
Genome position (GRCh38, 1-based): chr3:58,428,472, C>A on the plus strand (G>T on the coding strand, the complement: PDHB is on the minus strand). VCF-style: chr3-58428472-C-A. GRCh37 (hg19) VCF-style: chr3-58414199-C-A.
Other names: c.880+1G>T (NM_001315536.2, NM_001173468.2).
Identifiers: ClinVar variation 4814485 (VCV004814485.1).
Genomic context (GRCh38, chr3:58,428,472, plus strand): 5'-TTCAGGTACATGATGTTTACTATAGCTTGACTGTATTCTAGAACCAGTTTCTTTGAAATA[C>A]CTTCCATGATCCTGGCACAGATTTCAGCTCCTACTCCAAACTGTGGCCAGCCTCCTTCCA-3'

ClinVar aggregate classification (germline): Likely pathogenic (1 of 4 stars; one submission).

Conditions:
Pyruvate dehydrogenase phosphatase deficiency (PDHPD). Also called: LACTIC ACIDEMIA WITH PYRUVATE DEHYDROGENASE PHOSPHATASE DEFICIENCY. Identifiers: Orphanet 79246, MedGen C1837429, MONDO:0012120, OMIM 608782.

Submission:

Natera, Inc.
Classification: Likely pathogenic for Pyruvate dehydrogenase phosphatase deficiency. Last evaluated: 2025-11-17. Review status: criteria provided, single submitter. Criteria: Natera Variant Classification Schema (03/2026). Collection method: clinical testing. Allele origin: germline.
Comment: The c.934+1G>T variant in PDHB is a canonical splice donor site variant predicted to affect pre-mRNA splicing, which may result in an abnormal transcript and altered protein product. This variant is expected to result in nonsense mediated decay, truncation, or a dysfunctional protein product. This variant is rare in the general population with a frequency below the threshold expected for the associated phenotype(s). Given the available evidence, this variant is classified as Likely Pathogenic.